The following is an entry in ClinVar:

ClinVar aggregate classification (germline): Uncertain significance (1 of 4 stars; one submission).

Allele frequency attached by ClinVar (database versions not stated): gnomAD exomes below 0.00001.
gnomAD v4.1: 1 of 1,612,962 alleles (0.000062%); highest among the groups gnomAD compares: Admixed American, 0.0017%; no homozygotes.

Submission:

Labcorp Genetics (formerly Invitae), Labcorp
Classification: Uncertain significance. Last evaluated: 2024-01-04. Review status: criteria provided, single submitter. Criteria: Invitae Variant Classification Sherloc (09022015). Collection method: clinical testing. Allele origin: germline.
Comment: This sequence change replaces alanine, which is neutral and non-polar, with valine, which is neutral and non-polar, at codon 613 of the CIT protein (p.Ala613Val). This variant is present in population databases (no rsID available, gnomAD 0.003%). This variant has not been reported in the literature in individuals affected with CIT-related conditions. An algorithm developed to predict the effect of missense changes on protein structure and function (PolyPhen-2) suggests that this variant is likely to be tolerated. In summary, the available evidence is currently insufficient to determine the role of this variant in disease. Therefore, it has been classified as a Variant of Uncertain Significance.

NM_001206999.2(CIT):c.1838C>T (p.Ala613Val)

Gene: CIT (citron rho-interacting serine/threonine kinase; minus strand). Cytogenetic location: 12q24.23.
Variant type: single nucleotide variant.
Coding change: c.1838C>T on transcript NM_001206999.2 (MANE Select); coding-DNA position 1838, C replaced by T.
Protein change: p.Ala613Val; replaces alanine 613 with valine.
Molecular consequence: missense variant.
Genome position (GRCh38, 1-based): chr12:119,776,407, G>A on the plus strand (C>T on the coding strand, the complement: CIT is on the minus strand). VCF-style: chr12-119776407-G-A. GRCh37 (hg19) VCF-style: chr12-120214211-G-A.
Other names: c.1838C>T, p.Ala613Val (NM_007174.3); short protein forms A613V.
Identifiers: ClinVar variation 2798722 (VCV002798722.3), dbSNP rs1231046924, ClinGen allele CA386544307.